The following is an entry in ClinVar:

ClinVar aggregate classification (germline): Uncertain significance (1 of 4 stars; one submission).

Conditions:
CHD7-related disorder. Also called: CHD7-related condition.

Allele frequency attached by ClinVar (database versions not stated): gnomAD exomes 0.00001.
gnomAD v4.1: 3 of 1,613,824 alleles (0.00019%); highest among the groups gnomAD compares: Non-Finnish European, 0.00025%; no homozygotes.

Submission:

PreventionGenetics, part of Exact Sciences
Classification: Uncertain significance for CHD7-related condition. Last evaluated: 2022-10-04. Review status: criteria provided, single submitter. Criteria: ACMG Guidelines, 2015. Collection method: clinical testing. Allele origin: germline.
Comment: The CHD7 c.1598A>G variant is predicted to result in the amino acid substitution p.His533Arg. To our knowledge, this variant has not been reported in the literature or in a large population database, indicating this variant is rare. At this time, the clinical significance of this variant is uncertain due to the absence of conclusive functional and genetic evidence.

NM_017780.4(CHD7):c.1598A>G (p.His533Arg)

Gene: CHD7 (chromodomain helicase DNA binding protein 7; plus strand). Cytogenetic location: 8q12.2.
Variant type: single nucleotide variant.
Coding change: c.1598A>G on transcript NM_017780.4 (MANE Select); coding-DNA position 1598, A replaced by G.
Protein change: p.His533Arg; replaces histidine 533 with arginine.
Molecular consequence: missense variant.
Genome position (GRCh38, 1-based): chr8:60,743,030, A>G. VCF-style: chr8-60743030-A-G. GRCh37 (hg19) VCF-style: chr8-61655589-A-G.
Other names: c.1598A>G, p.His533Arg (NM_001316690.1); short protein forms H533R.
Identifiers: ClinVar variation 2637181 (VCV002637181.1), dbSNP rs2487285384, ClinGen allele CA371303618.